The following is an entry in ClinVar:

NM_024989.4(PGAP1):c.1221-3A>G

Gene: PGAP1 (post-GPI attachment to proteins inositol deacylase 1; minus strand). Cytogenetic location: 2q33.1.
Variant type: single nucleotide variant.
Coding change: c.1221-3A>G on transcript NM_024989.4 (MANE Select); 3 bases into the intron before coding-DNA position 1221, A replaced by G.
Molecular consequence: intron variant.
Genome position (GRCh38, 1-based): chr2:196,885,478, T>C on the plus strand (A>G on the coding strand, the complement: PGAP1 is on the minus strand). VCF-style: chr2-196885478-T-C. GRCh37 (hg19) VCF-style: chr2-197750202-T-C.
Other names: c.54-3A>G (NM_001321100.2); c.699-3A>G (NM_001321099.2).
Identifiers: ClinVar variation 1064599 (VCV001064599.3), dbSNP rs1701868598, ClinGen allele CA430545893.

ClinVar aggregate classification (germline): Pathogenic (1 of 4 stars; one submission).

Conditions:
Intellectual disability, autosomal recessive 42 (NEDDSBA). Also called: GLYCOSYLPHOSPHATIDYLINOSITOL BIOSYNTHESIS DEFECT 9; Neurodevelopmental disorder with dysmorphic features, spasticity, and brain abnormalities. Identifiers: Orphanet 88616, MedGen C4014343, MONDO:0014348, OMIM 615802.

Allele frequency attached by ClinVar (database versions not stated): gnomAD exomes below 0.00001; TOPMed below 0.00001.
gnomAD v4.1: 3 of 1,584,658 alleles (0.00019%); highest among the groups gnomAD compares: Middle Eastern, 0.017%; no homozygotes.

Submission:

Kids Neuroscience Centre, Sydney Children's Hospitals Network
Classification: Pathogenic for Intellectual disability, autosomal recessive 42. Review status: criteria provided, single submitter. Criteria: Bournazos AM et al. (Genet Med 2021). Collection method: clinical testing, provider interpretation. Allele origin: inherited, unknown. Inheritance: Autosomal recessive inheritance. Affected: yes and no. Observed: 2 heterozygotes, 1 homozygote.
Comment: The c.1221-3A>G variant results in use of a cryptic acceptor that adds two nucleotides to PGAP1 transcripts inducing a frameshift and immediate premature termination codon. These abnormal PGAP1 transcripts are predicted to be targeted for nonsense-mediated decay. Any PGAP1 transcripts escaping nonsense-mediated decay encode PGAP1 proteins lacking six key transmembrane domains and are therefore likely to be dysfunctional/nonfunctional.